The following is an entry in ClinVar:

ClinVar aggregate classification (germline): Uncertain significance (1 of 4 stars; one submission).

gnomAD v4.1: 1 of 1,580,004 alleles (0.000063%); highest among the groups gnomAD compares: Non-Finnish European, 0.000086%; no homozygotes.

Submission:

GeneDx
Classification: Uncertain significance. Last evaluated: 2023-04-21. Review status: criteria provided, single submitter. Criteria: GeneDx Variant Classification Process June 2021. Collection method: clinical testing. Allele origin: germline. Affected: yes.
Comment: Not observed at significant frequency in large population cohorts (gnomAD); In silico analysis supports that this missense variant has a deleterious effect on protein structure/function; Has not been previously published as pathogenic or benign to our knowledge

NM_001020658.2(PUM1):c.3106G>A (p.Glu1036Lys)

Gene: PUM1 (pumilio RNA binding family member 1; minus strand). Cytogenetic location: 1p35.2.
Variant type: single nucleotide variant.
Coding change: c.3106G>A on transcript NM_001020658.2 (MANE Select); coding-DNA position 3106, G replaced by A.
Protein change: p.Glu1036Lys; replaces glutamic acid 1036 with lysine.
Molecular consequence: missense variant.
Genome position (GRCh38, 1-based): chr1:30,942,012, C>T on the plus strand (G>A on the coding strand, the complement: PUM1 is on the minus strand). VCF-style: chr1-30942012-C-T. GRCh37 (hg19) VCF-style: chr1-31414859-C-T.
Other names: c.3100G>A, p.Glu1034Lys (NM_014676.3); short protein forms E1034K, E1036K.
Identifiers: ClinVar variation 2661920 (VCV002661920.1), dbSNP rs763109981, ClinGen allele CA339561974.
Genomic context (GRCh38, chr1:30,942,012, plus strand): 5'-ACAAGCCCACAGGTGTTCGCAGTTCCTCTACTGGCAACTCCACTACCTGTACAAGCTGCT[C>T]TGTGTGCTGGTGAAGCTCCTCTAAAATAGGGAGTGTCTGGTCAGGGAGACAGTGCTCCAG-3'
Protein context (NP_001018494.1, residues 1026-1046): PILEELHQHT[Glu1036Lys]QLVQDQYGNY